The following is an entry in ClinVar:

ClinVar aggregate classification (germline): Uncertain significance (1 of 4 stars; one submission).

Allele frequency attached by ClinVar (database versions not stated): gnomAD exomes 0.00001 and 0.00004; TOPMed 0.00002; ExAC 0.00003.

Submission:

Labcorp Genetics (formerly Invitae), Labcorp
Classification: Uncertain significance. Last evaluated: 2025-01-25. Review status: criteria provided, single submitter. Criteria: Invitae Variant Classification Sherloc (09022015). Collection method: clinical testing. Allele origin: germline.
Comment: This sequence change replaces asparagine, which is neutral and polar, with serine, which is neutral and polar, at codon 1412 of the FN1 protein (p.Asn1412Ser). This variant is present in population databases (rs756671408, gnomAD 0.03%). This variant has not been reported in the literature in individuals affected with FN1-related conditions. ClinVar contains an entry for this variant (Variation ID: 1495336). An algorithm developed to predict the effect of missense changes on protein structure and function (PolyPhen-2) suggests that this variant is likely to be tolerated. In summary, the available evidence is currently insufficient to determine the role of this variant in disease. Therefore, it has been classified as a Variant of Uncertain Significance.

NM_212482.4(FN1):c.4235A>G (p.Asn1412Ser)

Genes: FN1 (fibronectin 1; minus strand), LOC126806497 (BRD4-independent group 4 enhancer GRCh37_chr2:216255920-216257119; plus strand). Cytogenetic location: 2q35.
Variant type: single nucleotide variant.
Coding change: c.4235A>G on transcript NM_212482.4 (MANE Select); coding-DNA position 4235, A replaced by G.
Protein change: p.Asn1412Ser; replaces asparagine 1412 with serine.
Molecular consequence: missense variant.
Genome position (GRCh38, 1-based): chr2:215,391,649, T>C on the plus strand (A>G on the coding strand, the complement: FN1 is on the minus strand). VCF-style: chr2-215391649-T-C. GRCh37 (hg19) VCF-style: chr2-216256372-T-C.
Other names: c.4235A>G, p.Asn1412Ser (NM_001306129.2, NM_001306130.2, NM_001365517.2 and 3 more transcripts); c.3962A>G, p.Asn1321Ser (NM_001306131.2, NM_001306132.2, NM_001365518.2 and 7 more transcripts); short protein forms N1321S, N1412S.
Identifiers: ClinVar variation 1495336 (VCV001495336.6), dbSNP rs756671408, ClinGen allele CA2094493.